The following is an entry in ClinVar:

NM_001083961.2(WDR62):c.693G>A (p.Glu231=)

Gene: WDR62 (WD repeat domain 62; plus strand). Cytogenetic location: 19q13.12.
Variant type: single nucleotide variant.
Coding change: c.693G>A on transcript NM_001083961.2 (MANE Select); coding-DNA position 693, G replaced by A.
Protein change: p.Glu231=; no amino-acid change (glutamic acid 231 retained).
Molecular consequence: synonymous variant.
Genome position (GRCh38, 1-based): chr19:36,067,437, G>A. VCF-style: chr19-36067437-G-A. GRCh37 (hg19) VCF-style: chr19-36558339-G-A.
Other names: c.693G>A, p.Glu231= (NM_173636.5).
Identifiers: ClinVar variation 517901 (VCV000517901.4), dbSNP rs145228171, ClinGen allele CA9395350.

ClinVar aggregate classification (germline): Likely benign. Review status: criteria provided, multiple submitters, no conflicts (2 of 4 stars). 4 submissions from 4 submitters: Likely benign (4). Last evaluated 2026-01-15.

Allele frequency attached by ClinVar (database versions not stated): gnomAD 0.00001; gnomAD exomes 0.00001; ExAC 0.00002; TOPMed 0.00002; ESP Exome Variant Server 0.00008.

Submissions (4):

Women's Health and Genetics/Laboratory Corporation of America, LabCorp
Classification: Likely benign. Last evaluated: 2026-01-15. Review status: criteria provided, single submitter. Criteria: LabCorp Variant Classification Summary - May 2015. Collection method: clinical testing. Allele origin: germline.

Labcorp Genetics (formerly Invitae), Labcorp
Classification: Likely benign. Last evaluated: 2025-10-02. Review status: criteria provided, single submitter. Criteria: Invitae Variant Classification Sherloc (09022015). Collection method: clinical testing. Allele origin: germline.

Blueprint Genetics
Classification: Likely benign. Last evaluated: 2020-10-22. Review status: criteria provided, single submitter. Criteria: ACMG Guidelines, 2015. Collection method: clinical testing. Allele origin: germline.

GeneDx
Classification: Likely benign. Last evaluated: 2017-06-14. Review status: criteria provided, single submitter. Criteria: GeneDx Variant Classification (06012015). Collection method: clinical testing. Allele origin: germline. Affected: yes.
Comment: This variant is considered likely benign or benign based on one or more of the following criteria: it is a conservative change, it occurs at a poorly conserved position in the protein, it is predicted to be benign by multiple in silico algorithms, and/or has population frequency not consistent with disease.